The following is an entry in ClinVar:

ClinVar aggregate classification (germline): Pathogenic (1 of 4 stars; one submission).

Submission:

Labcorp Genetics (formerly Invitae), Labcorp
Classification: Pathogenic. Last evaluated: 2023-12-29. Review status: criteria provided, single submitter. Criteria: Invitae Variant Classification Sherloc (09022015). Collection method: clinical testing. Allele origin: germline.
Comment: This sequence change creates a premature translational stop signal (p.Cys1001Valfs*3) in the EYS gene. It is expected to result in an absent or disrupted protein product. Loss-of-function variants in EYS are known to be pathogenic (PMID: 18836446, 20333770). This variant is not present in population databases (gnomAD no frequency). This variant has not been reported in the literature in individuals affected with EYS-related conditions. ClinVar contains an entry for this variant (Variation ID: 1457656). For these reasons, this variant has been classified as Pathogenic.

Literature cited by the submitters: PubMed 18836446; PubMed 20333770.

NM_001142800.2(EYS):c.3001del (p.Cys1001fs)

Gene: EYS (EGF-like photoreceptor maintenance factor; minus strand). Cytogenetic location: 6q12.
Variant type: Deletion.
Coding change: c.3001del on transcript NM_001142800.2 (MANE Select); coding-DNA position 3001, one base deleted (T; older notation c.3001delT).
Protein change: p.Cys1001fs; shifts the reading frame from cysteine 1001.
Molecular consequence: frameshift variant.
Genome position (GRCh38, 1-based): chr6:64,822,814, A deleted on the plus strand (T on the coding strand, the reverse complement: EYS is on the minus strand). VCF-style (leftmost placement, unchanged base first): chr6-64822813-CA-C. GRCh37 (hg19) VCF-style: chr6-65532706-CA-C.
Other names: c.3001del, p.Cys1001fs (NM_001292009.2); short protein forms C1001fs.
Identifiers: ClinVar variation 1457656 (VCV001457656.6), dbSNP rs2150022848, ClinGen allele CA2573141025.